The following is an entry in ClinVar:

NM_000292.3(PHKA2):c.2807-18C>T

Gene: PHKA2 (phosphorylase kinase regulatory subunit alpha 2; minus strand). Cytogenetic location: Xp22.13.
Variant type: single nucleotide variant.
Coding change: c.2807-18C>T on transcript NM_000292.3 (MANE Select); 18 bases into the intron before coding-DNA position 2807, C replaced by T.
Molecular consequence: intron variant.
Genome position (GRCh38, 1-based): chrX:18,905,877, G>A on the plus strand (C>T on the coding strand, the complement: PHKA2 is on the minus strand). VCF-style: chrX-18905877-G-A. GRCh37 (hg19) VCF-style: chrX-18923995-G-A.
Identifiers: ClinVar variation 507538 (VCV000507538.4), dbSNP rs373513953, ClinGen allele CA10361528.

ClinVar aggregate classification (germline): Likely benign. Review status: criteria provided, multiple submitters, no conflicts (2 of 4 stars). 2 submissions from 2 submitters: Likely benign (2). Last evaluated 2025-06-17.

Conditions:
Glycogen storage disease IXa1. Also called: GLYCOGEN STORAGE DISEASE VIII; GSD VIII; Glycogen storage disease 8; LIVER GLYCOGENOSIS, X-LINKED, TYPE I. Identifiers: Orphanet 264580, MedGen C3694531, MONDO:0010598, OMIM 306000.

Allele frequency attached by ClinVar (database versions not stated): ExAC 0.00003; gnomAD exomes 0.00004; ESP Exome Variant Server 0.00009; gnomAD 0.00015; TOPMed 0.00030.
gnomAD v4.1: 40 of 1,113,131 alleles (0.0036%); highest among the groups gnomAD compares: African/African-American, 0.052%; no homozygotes.

Submissions (2):

Labcorp Genetics (formerly Invitae), Labcorp
Classification: Likely benign for Glycogen storage disease IXa1. Last evaluated: 2025-06-17. Review status: criteria provided, single submitter. Criteria: Invitae Variant Classification Sherloc (09022015). Collection method: clinical testing. Allele origin: germline.

GeneDx
Classification: Likely benign. Last evaluated: 2017-03-03. Review status: criteria provided, single submitter. Criteria: GeneDx Variant Classification (06012015). Collection method: clinical testing. Allele origin: germline. Affected: yes.
Comment: This variant is considered likely benign or benign based on one or more of the following criteria: it is a conservative change, it occurs at a poorly conserved position in the protein, it is predicted to be benign by multiple in silico algorithms, and/or has population frequency not consistent with disease.